The following is an entry in ClinVar:

ClinVar aggregate classification (germline): Likely pathogenic. Review status: criteria provided, single submitter (1 of 4 stars). 2 submissions from 2 submitters: Likely pathogenic (1). 1 of the submissions does not count toward it. Last evaluated 2020-09-10.

Conditions:
Neurodevelopmental disorder with relative macrocephaly and with or without cardiac or endocrine anomalies. Also called: Nabais Sa-de Vries syndrome, type 2. Identifiers: Orphanet 662175, MedGen C5394221, MONDO:0032943, OMIM 618829.

Submissions (2):

SIB Swiss Institute of Bioinformatics
Classification: Likely pathogenic for Neurodevelopmental disorder with relative macrocephaly and with or without cardiac or endocrine anomalies. Last evaluated: 2020-09-10. Review status: criteria provided, single submitter. Criteria: ACMG Guidelines, 2015. Collection method: curation. Allele origin: unknown.
Comment: This variant is interpreted as likely pathogenic for Nabais Sa-de Vries syndrome 2, autosomal dominant. The following ACMG Tag(s) were applied: Absent from controls (or at extremely low frequency if recessive) in Exome Sequencing Project, 1000 Genomes Project, or Exome Aggregation Consortium (PM2); De novo (paternity and maternity confirmed) (PS2); Missense variant in a gene that has a low rate of benign missense variation and in which missense variants are a common mechanism of disease (PP2). Well-established functional studies show a deleterious effect (PS3 downgraded to supporting); Multiple lines of computational evidence support a deleterious effect on the gene or gene product (PP3).

OMIM
Classification: Pathogenic for NABAIS SA-DE VRIES SYNDROME, TYPE 2. Last evaluated: 2020-05-01. Review status: no assertion criteria provided. Collection method: literature only. Allele origin: unknown. Not counted in ClinVar's aggregate classification.

Literature cited by the submitters: PubMed 32109420 (cited by SIB Swiss Institute of Bioinformatics and OMIM).

NM_001007228.2(SPOP):c.395G>T (p.Gly132Val)

Gene: SPOP (speckle type BTB/POZ protein; minus strand). Cytogenetic location: 17q21.33.
Variant type: single nucleotide variant.
Coding change: c.395G>T on transcript NM_001007228.2 (MANE Select); coding-DNA position 395, G replaced by T.
Protein change: p.Gly132Val; replaces glycine 132 with valine.
Molecular consequence: missense variant.
Genome position (GRCh38, 1-based): chr17:49,619,066, C>A on the plus strand (G>T on the coding strand, the complement: SPOP is on the minus strand). VCF-style: chr17-49619066-C-A. GRCh37 (hg19) VCF-style: chr17-47696428-C-A.
Other names: c.395G>T, p.Gly132Val (NM_001007226.1, NM_001007227.1, NM_001007229.1 and 5 more transcripts); short protein forms G132V.
Identifiers: ClinVar variation 830357 (VCV000830357.4), dbSNP rs2072155694, ClinGen allele CA400156691.